The following is an entry in ClinVar:

NM_020338.4(ZMIZ1):c.-49-17111T>G

Genes: ZMIZ1 (zinc finger MIZ-type containing 1; plus strand), LOC126860974 (BRD4-independent group 4 enhancer GRCh37_chr10:80943423-80944622; plus strand). Cytogenetic location: 10q22.3.
Variant type: single nucleotide variant.
Coding change: c.-49-17111T>G on transcript NM_020338.4 (MANE Select); 17111 bases into the intron before 49 bases upstream of the start codon, T replaced by G.
Molecular consequence: intron variant.
Genome position (GRCh38, 1-based): chr10:79,184,473, T>G. VCF-style: chr10-79184473-T-G. GRCh37 (hg19) VCF-style: chr10-80944230-T-G.
Identifiers: ClinVar variation 1281699 (VCV001281699.1), dbSNP rs703977, ClinGen allele CA13247230.

ClinVar aggregate classification (germline): Benign (1 of 4 stars; one submission).

Allele frequency attached by ClinVar (database versions not stated): 1000 Genomes Project 0.37380; 1000 Genomes Project 30x 0.37555; TOPMed 0.39024; gnomAD 0.39693 and 0.39829.
gnomAD v4.1: 60,555 of 152,064 alleles (40%); highest among the groups gnomAD compares: Non-Finnish European, 46%; 12,666 homozygotes.

Submission:

GeneDx
Classification: Benign. Last evaluated: 2020-02-18. Review status: criteria provided, single submitter. Criteria: GeneDx Variant Classification Process June 2021. Collection method: clinical testing. Allele origin: germline. Affected: yes.
Comment: This variant is associated with the following publications: (PMID: 30181159)